The following is an entry in ClinVar:

ClinVar aggregate classification (germline): Likely pathogenic. Review status: criteria provided, multiple submitters, no conflicts (2 of 4 stars). 3 submissions from 3 submitters: Likely pathogenic (3). Last evaluated 2023-12-07.

Conditions:
X-linked agammaglobulinemia with growth hormone deficiency (IGHD3). Also called: ISOLATED GROWTH HORMONE DEFICIENCY, TYPE III, WITH AGAMMAGLOBULINEMIA; AGAMMAGLOBULINEMIA AND ISOLATED GROWTH HORMONE DEFICIENCY, X-LINKED; Isolated growth hormone deficiency type 3; Growth hormone deficiency with hypogammaglobulinemia; FLEISHER SYNDROME; HYPOGAMMAGLOBULINEMIA AND ISOLATED GROWTH HORMONE DEFICIENCY, X-LINKED. Identifiers: Orphanet 231692, Orphanet 631, MedGen C0472813, MONDO:0010615, OMIM 307200.
BTK-related disorder. Also called: BTK-related condition.

Submissions (3):

Clinical Genetics Laboratory, Skane University Hospital Lund
Classification: Likely pathogenic. Last evaluated: 2023-12-07. Review status: criteria provided, single submitter. Criteria: ACMG Guidelines, 2015. Collection method: clinical testing. Allele origin: germline. Affected: yes.

Labcorp Genetics (formerly Invitae), Labcorp
Classification: Likely pathogenic for X-linked agammaglobulinemia with growth hormone deficiency. Last evaluated: 2023-11-21. Review status: criteria provided, single submitter. Criteria: Invitae Variant Classification Sherloc (09022015). Collection method: clinical testing. Allele origin: germline.
Comment: This sequence change replaces histidine, which is basic and polar, with arginine, which is basic and polar, at codon 454 of the BTK protein (p.His454Arg). This variant is not present in population databases (gnomAD no frequency). This missense change has been observed in individuals with agammaglobulinemia (PMID: 11472359, 19904586; Invitae). Advanced modeling of protein sequence and biophysical properties (such as structural, functional, and spatial information, amino acid conservation, physicochemical variation, residue mobility, and thermodynamic stability) performed at Invitae indicates that this missense variant is expected to disrupt BTK protein function with a positive predictive value of 80%. RNA analysis performed to evaluate the impact of this missense change on mRNA splicing indicates it does not significantly alter splicing (PMID: 28359783). This variant disrupts the p.His454 amino acid residue in BTK. Other variant(s) that disrupt this residue have been determined to be pathogenic (PMID: 27512878). This suggests that this residue is clinically significant, and that variants that disrupt this residue are likely to be disease-causing. In summary, the currently available evidence indicates that the variant is pathogenic, but additional data are needed to prove that conclusively. Therefore, this variant has been classified as Likely Pathogenic.

Blueprint Genetics
Classification: Likely pathogenic for BTK-related disorders. Last evaluated: 2023-10-06. Review status: criteria provided, single submitter. Criteria: ACMG Guidelines, 2015. Collection method: clinical testing. Allele origin: germline. Affected: yes. Observed: 4 variant alleles.

Literature cited by the submitters: PubMed 11472359 (cited by Labcorp Genetics (formerly Invitae), Labcorp); PubMed 19904586 (cited by Labcorp Genetics (formerly Invitae), Labcorp); PubMed 28359783 (cited by Labcorp Genetics (formerly Invitae), Labcorp); PubMed 27512878 (cited by Labcorp Genetics (formerly Invitae), Labcorp).

NM_000061.3(BTK):c.1361A>G (p.His454Arg)

Gene: BTK (Bruton tyrosine kinase; minus strand). Cytogenetic location: Xq22.1.
Variant type: single nucleotide variant.
Coding change: c.1361A>G on transcript NM_000061.3 (MANE Select); coding-DNA position 1361, A replaced by G.
Protein change: p.His454Arg; replaces histidine 454 with arginine.
Molecular consequence: missense variant. On other transcripts: intron variant (1).
Genome position (GRCh38, 1-based): chrX:101,356,257, T>C on the plus strand (A>G on the coding strand, the complement: BTK is on the minus strand). VCF-style: chrX-101356257-T-C. GRCh37 (hg19) VCF-style: chrX-100611245-T-C.
Other names: c.1463A>G, p.His488Arg (NM_001287344.2); c.1039-1563A>G (NM_001287345.2); short protein forms H488R, H454R.
Identifiers: ClinVar variation 2737294 (VCV002737294.5), dbSNP rs2520553985, ClinGen allele CA413924588.